The following is an entry in ClinVar:

ClinVar aggregate classification (germline): Pathogenic (1 of 4 stars; one submission).

Conditions:
Fanconi anemia (FA). Also called: Fanconi's anemia. Identifiers: Orphanet 84, MedGen C0015625, MeSH D005199, MONDO:0019391.

Submission:

Labcorp Genetics (formerly Invitae), Labcorp
Classification: Pathogenic for Fanconi anemia. Last evaluated: 2021-06-15. Review status: criteria provided, single submitter. Criteria: Invitae Variant Classification Sherloc (09022015). Collection method: clinical testing. Allele origin: germline.
Comment: For these reasons, this variant has been classified as Pathogenic. This variant has not been reported in the literature in individuals with FANCC-related conditions. The frequency data for this variant in the population databases is not available, as this variant may be reported as separate entries in the ExAC database. This sequence change creates a premature translational stop signal (p.Gln320*) in the FANCC gene. It is expected to result in an absent or disrupted protein product. Loss-of-function variants in FANCC are known to be pathogenic (PMID: 17924555).

Literature cited by the submitters: PubMed 17924555.

NM_000136.3(FANCC):c.957_958delinsTT (p.Gln320Ter)

Genes: AOPEP (aminopeptidase O (putative); plus strand), FANCC (FA complementation group C; minus strand). Cytogenetic location: 9q22.32.
Variant type: Indel.
Coding change: c.957_958delinsTT on transcript NM_000136.3 (MANE Select); coding-DNA positions 957 to 958, GC replaced by TT.
Protein change: p.Gln320Ter; replaces glutamine 320 with a stop codon.
Molecular consequence: nonsense.
Genome position (GRCh38, 1-based): chr9:95,125,124-95,125,125, GC replaced by AA on the plus strand (GC replaced by TT on the coding strand, the reverse complement: FANCC is on the minus strand). VCF-style: chr9-95125124-GC-AA. GRCh37 (hg19) VCF-style: chr9-97887406-GC-AA.
Other names: c.957_958delinsTT, p.Gln320Ter (NM_001243743.2, NM_001243744.2); short protein forms Q320*.
Identifiers: ClinVar variation 1452013 (VCV001452013.6), dbSNP rs2134922671, ClinGen allele CA2573144807.